The following is an entry in ClinVar:

NM_030665.4(RAI1):c.3875T>C (p.Leu1292Pro)

Gene: RAI1 (retinoic acid induced 1; plus strand). Cytogenetic location: 17p11.2.
Variant type: single nucleotide variant.
Coding change: c.3875T>C on transcript NM_030665.4 (MANE Select); coding-DNA position 3875, T replaced by C.
Protein change: p.Leu1292Pro; replaces leucine 1292 with proline.
Molecular consequence: missense variant.
Genome position (GRCh38, 1-based): chr17:17,796,823, T>C. VCF-style: chr17-17796823-T-C. GRCh37 (hg19) VCF-style: chr17-17700137-T-C.
Other names: short protein forms L1292P.
Identifiers: ClinVar variation 1347457 (VCV001347457.6), dbSNP rs2143002813, ClinGen allele CA398555122.

ClinVar aggregate classification (germline): Uncertain significance (1 of 4 stars; one submission).

gnomAD v4.1: 1 of 1,610,084 alleles (0.000062%); no homozygotes.

Submission:

Labcorp Genetics (formerly Invitae), Labcorp
Classification: Uncertain significance. Last evaluated: 2021-10-29. Review status: criteria provided, single submitter. Criteria: Invitae Variant Classification Sherloc (09022015). Collection method: clinical testing. Allele origin: germline.
Comment: This sequence change replaces leucine, which is neutral and non-polar, with proline, which is neutral and non-polar, at codon 1292 of the RAI1 protein (p.Leu1292Pro). This variant is not present in population databases (gnomAD no frequency). In summary, the available evidence is currently insufficient to determine the role of this variant in disease. Therefore, it has been classified as a Variant of Uncertain Significance. Algorithms developed to predict the effect of missense changes on protein structure and function output the following: SIFT: "Tolerated"; PolyPhen-2: "Benign"; Align-GVGD: "Class C0". The proline amino acid residue is found in multiple mammalian species, which suggests that this missense change does not adversely affect protein function. This variant has not been reported in the literature in individuals affected with RAI1-related conditions.